The following is an entry in ClinVar:

ClinVar aggregate classification (germline): Uncertain significance (1 of 4 stars; one submission).

Allele frequency attached by ClinVar (database versions not stated): gnomAD exomes 0.00001.
gnomAD v4.1: 4 of 1,610,350 alleles (0.00025%); highest among the groups gnomAD compares: Non-Finnish European, 0.00025%; no homozygotes.

Submission:

Labcorp Genetics (formerly Invitae), Labcorp
Classification: Uncertain significance. Last evaluated: 2022-07-19. Review status: criteria provided, single submitter. Criteria: Invitae Variant Classification Sherloc (09022015). Collection method: clinical testing. Allele origin: germline.
Comment: This sequence change replaces leucine, which is neutral and non-polar, with proline, which is neutral and non-polar, at codon 246 of the KCNV2 protein (p.Leu246Pro). In summary, the available evidence is currently insufficient to determine the role of this variant in disease. Therefore, it has been classified as a Variant of Uncertain Significance. Advanced modeling of protein sequence and biophysical properties (such as structural, functional, and spatial information, amino acid conservation, physicochemical variation, residue mobility, and thermodynamic stability) performed at Invitae indicates that this missense variant is expected to disrupt KCNV2 protein function. ClinVar contains an entry for this variant (Variation ID: 1475582). This variant has not been reported in the literature in individuals affected with KCNV2-related conditions. This variant is present in population databases (no rsID available, gnomAD 0.005%).

NM_133497.4(KCNV2):c.737T>C (p.Leu246Pro)

Gene: KCNV2 (potassium voltage-gated channel modifier subfamily V member 2; plus strand). Cytogenetic location: 9p24.2.
Variant type: single nucleotide variant.
Coding change: c.737T>C on transcript NM_133497.4 (MANE Select); coding-DNA position 737, T replaced by C.
Protein change: p.Leu246Pro; replaces leucine 246 with proline.
Molecular consequence: missense variant.
Genome position (GRCh38, 1-based): chr9:2,718,476, T>C. VCF-style: chr9-2718476-T-C. GRCh37 (hg19) VCF-style: chr9-2718476-T-C.
Other names: short protein forms L246P.
Identifiers: ClinVar variation 1475582 (VCV001475582.6), dbSNP rs1433071774, ClinGen allele CA372798980.